The following is an entry in ClinVar:

NM_000146.4(FTL):c.-176T>C

Gene: FTL (ferritin light chain; plus strand). Cytogenetic location: 19q13.33.
Variant type: single nucleotide variant.
Coding change: c.-176T>C on transcript NM_000146.4 (MANE Select); 176 bases upstream of the start codon, T replaced by C.
Molecular consequence: 5 prime UTR variant.
Genome position (GRCh38, 1-based): chr19:48,965,332, T>C. VCF-style: chr19-48965332-T-C. GRCh37 (hg19) VCF-style: chr19-49468589-T-C.
Identifiers: ClinVar variation 4783850 (VCV004783850.1).

ClinVar aggregate classification (germline): Uncertain significance (1 of 4 stars; one submission).

Conditions:
Hereditary hyperferritinemia with congenital cataracts. Also called: HYPERFERRITINEMIA WITH OR WITHOUT CATARACT; Hereditary hyperferritinemia cataract syndrome; Bonneau-Beaumont syndrome. Identifiers: Orphanet 163, MedGen C1833213, MONDO:0010952, OMIM 600886.
Neuroferritinopathy (NBIA3). Also called: NEURODEGENERATION WITH BRAIN IRON ACCUMULATION 3; BASAL GANGLIA DISEASE, ADULT-ONSET. Identifiers: Orphanet 157846, MedGen C1853578, MONDO:0011638, OMIM 606159.

Submission:

Labcorp Genetics (formerly Invitae), Labcorp
Classification: Uncertain significance for Neuroferritinopathy; Hereditary hyperferritinemia with congenital cataracts. Last evaluated: 2025-08-02. Review status: criteria provided, single submitter. Criteria: Invitae Variant Classification Sherloc (09022015). Collection method: clinical testing. Allele origin: germline.
Comment: This variant occurs in a non-coding region of the FTL gene. It does not change the encoded amino acid sequence of the FTL protein. This variant is not present in population databases (gnomAD no frequency). This variant has been observed in individual(s) with hyperferritinemia-cataract syndrome (PMID: 21410535). It has also been observed to segregate with disease in related individuals. In summary, the available evidence is currently insufficient to determine the role of this variant in disease. Therefore, it has been classified as a Variant of Uncertain Significance.

Literature cited by the submitters: PubMed 21410535.